The following is an entry in ClinVar:

NM_001972.4(ELANE):c.748G>A (p.Glu250Lys)

Gene: ELANE (elastase, neutrophil expressed; plus strand). Cytogenetic location: 19p13.3.
Variant type: single nucleotide variant.
Coding change: c.748G>A on transcript NM_001972.4 (MANE Select); coding-DNA position 748, G replaced by A.
Protein change: p.Glu250Lys; replaces glutamic acid 250 with lysine.
Molecular consequence: missense variant.
Genome position (GRCh38, 1-based): chr19:856,108, G>A. VCF-style: chr19-856108-G-A. GRCh37 (hg19) VCF-style: chr19-856108-G-A.
Other names: c.748G>A (LRG_57t1); short protein forms E250K.
Identifiers: ClinVar variation 567842 (VCV000567842.12), dbSNP rs1568306204, ClinGen allele CA402919384.
Genomic context (GRCh38, chr19:856,108, plus strand): 5'-GATGCCTTTGCCCCGGTGGCACAGTTTGTAAACTGGATCGACTCTATCATCCAACGCTCC[G>A]AGGACAACCCCTGTCCCCACCCCCGGGACCCGGACCCGGCCAGCAGGACCCACTGAGAAG-3'
Protein context (NP_001963.1, residues 240-260): NWIDSIIQRS[Glu250Lys]DNPCPHPRDP

ClinVar aggregate classification (germline): Uncertain significance. Review status: criteria provided, multiple submitters, no conflicts (2 of 4 stars). 2 submissions from 2 submitters: Uncertain significance (2). Last evaluated 2023-07-06.

Conditions:
Neutropenia, severe congenital, 1, autosomal dominant. Identifiers: MedGen C1859966, MONDO:0042490, OMIM 202700.
Cyclical neutropenia. Also called: Cyclic Neutropenia; Cyclic hematopoiesis. Identifiers: Orphanet 2686, MedGen C0221023, MONDO:0008090, OMIM 162800, HP:0040289. Disease mechanism: loss of function.

Allele frequency attached by ClinVar (database versions not stated): gnomAD 0.00001; gnomAD exomes 0.00001.
gnomAD v4.1: 16 of 1,612,998 alleles (0.00099%); highest among the groups gnomAD compares: Middle Eastern, 0.016%; no homozygotes.

Submissions (2):

Blueprint Genetics
Classification: Uncertain significance. Last evaluated: 2023-07-06. Review status: criteria provided, single submitter. Criteria: ACMG Guidelines, 2015. Collection method: clinical testing. Allele origin: germline.

Labcorp Genetics (formerly Invitae), Labcorp
Classification: Uncertain significance for Neutropenia, severe congenital, 1, autosomal dominant; Cyclical neutropenia. Last evaluated: 2018-03-12. Review status: criteria provided, single submitter. Criteria: Invitae Variant Classification Sherloc (09022015). Collection method: clinical testing. Allele origin: germline.
Comment: In summary, the available evidence is currently insufficient to determine the role of this variant in disease. Therefore, it has been classified as a Variant of Uncertain Significance. Algorithms developed to predict the effect of missense changes on protein structure and function (SIFT, PolyPhen-2, Align-GVGD) all suggest that this variant is likely to be tolerated, but these predictions have not been confirmed by published functional studies and their clinical significance is uncertain. This variant has been reported in an individual affected with ELANE-related conditions (PMID: 23463630). This variant is not present in population databases (ExAC no frequency). This sequence change replaces glutamic acid with lysine at codon 250 of the ELANE protein (p.Glu250Lys). The glutamic acid residue is weakly conserved and there is a small physicochemical difference between glutamic acid and lysine.

Literature cited by the submitters: PubMed 23463630 (cited by Labcorp Genetics (formerly Invitae), Labcorp).